The following is an entry in ClinVar:

NM_001852.4(COL9A2):c.-37G>C

Gene: COL9A2 (collagen type IX alpha 2 chain; minus strand). Cytogenetic location: 1p34.2.
Variant type: single nucleotide variant.
Coding change: c.-37G>C on transcript NM_001852.4 (MANE Select); 37 bases upstream of the start codon, G replaced by C.
Molecular consequence: 5 prime UTR variant.
Genome position (GRCh38, 1-based): chr1:40,317,234, C>G on the plus strand (G>C on the coding strand, the complement: COL9A2 is on the minus strand). VCF-style: chr1-40317234-C-G. GRCh37 (hg19) VCF-style: chr1-40782906-C-G.
Identifiers: ClinVar variation 508759 (VCV000508759.1), dbSNP rs376809219, ClinGen allele CA792151.

ClinVar aggregate classification (germline): Likely benign (1 of 4 stars; one submission).

Allele frequency attached by ClinVar (database versions not stated): ExAC 0.00030; ESP Exome Variant Server 0.00072; TOPMed 0.00094; gnomAD 0.00096 and 0.00102; 1000 Genomes Project 30x 0.00125; 1000 Genomes Project 0.00140.
gnomAD v4.1: 241 of 1,514,096 alleles (0.016%); highest among the groups gnomAD compares: African/African-American, 0.31%; no homozygotes.

Submission:

GeneDx
Classification: Likely benign. Last evaluated: 2017-04-12. Review status: criteria provided, single submitter. Criteria: GeneDx Variant Classification (06012015). Collection method: clinical testing. Allele origin: germline. Affected: yes.
Comment: This variant is considered likely benign or benign based on one or more of the following criteria: it is a conservative change, it occurs at a poorly conserved position in the protein, it is predicted to be benign by multiple in silico algorithms, and/or has population frequency not consistent with disease.